The following is an entry in ClinVar:

ClinVar aggregate classification (germline): Uncertain significance (1 of 4 stars; one submission).

Allele frequency attached by ClinVar (database versions not stated): gnomAD exomes below 0.00001.
gnomAD v4.1: 5 of 1,580,248 alleles (0.00032%); highest among the groups gnomAD compares: Non-Finnish European, 0.00043%; no homozygotes.

Submission:

Labcorp Genetics (formerly Invitae), Labcorp
Classification: Uncertain significance. Last evaluated: 2022-08-22. Review status: criteria provided, single submitter. Criteria: Invitae Variant Classification Sherloc (09022015). Collection method: clinical testing. Allele origin: germline.
Comment: In summary, the available evidence is currently insufficient to determine the role of this variant in disease. Therefore, it has been classified as a Variant of Uncertain Significance. This sequence change replaces leucine, which is neutral and non-polar, with proline, which is neutral and non-polar, at codon 949 of the ANK3 protein (p.Leu949Pro). This variant is present in population databases (no rsID available, gnomAD 0.003%). This variant has not been reported in the literature in individuals affected with ANK3-related conditions. Algorithms developed to predict the effect of missense changes on protein structure and function are either unavailable or do not agree on the potential impact of this missense change (SIFT: "Not Available"; PolyPhen-2: "Benign"; Align-GVGD: "Not Available").

NM_020987.5(ANK3):c.2846T>C (p.Leu949Pro)

Gene: ANK3 (ankyrin 3; minus strand). Cytogenetic location: 10q21.2.
Variant type: single nucleotide variant.
Coding change: c.2846T>C on transcript NM_020987.5 (MANE Select); coding-DNA position 2846, T replaced by C.
Protein change: p.Leu949Pro; replaces leucine 949 with proline.
Molecular consequence: missense variant.
Genome position (GRCh38, 1-based): chr10:60,114,327, A>G on the plus strand (T>C on the coding strand, the complement: ANK3 is on the minus strand). VCF-style: chr10-60114327-A-G. GRCh37 (hg19) VCF-style: chr10-61874085-A-G.
Other names: c.248T>C, p.Leu83Pro (NM_001149.4); c.2828T>C, p.Leu943Pro (NM_001204403.2); c.2849T>C, p.Leu950Pro (NM_001204404.2); c.2846T>C, p.Leu949Pro (NM_001320874.2); short protein forms L949P, L943P, L83P, L950P.
Identifiers: ClinVar variation 1942831 (VCV001942831.5), dbSNP rs1203721621, ClinGen allele CA376994442.